The following is an entry in ClinVar:

ClinVar aggregate classification (germline): Likely pathogenic (1 of 4 stars; one submission).

Conditions:
Neuronal ceroid lipofuscinosis. Also called: Neuronal Ceroid Lipofuscinoses. Identifiers: Orphanet 216, Orphanet 79263, MedGen C0027877, MONDO:0016295. Disease mechanism: loss of function.

Allele frequency attached by ClinVar (database versions not stated): gnomAD exomes below 0.00001.
gnomAD v4.1: 2 of 1,613,942 alleles (0.00012%); highest among the groups gnomAD compares: Non-Finnish European, 0.00017%; no homozygotes.

Submission:

Labcorp Genetics (formerly Invitae), Labcorp
Classification: Likely pathogenic for Neuronal ceroid lipofuscinosis. Last evaluated: 2022-12-25. Review status: criteria provided, single submitter. Criteria: Invitae Variant Classification Sherloc (09022015). Collection method: clinical testing. Allele origin: germline.
Comment: This sequence change affects a donor splice site in intron 5 of the CLN6 gene. It is expected to disrupt RNA splicing. Variants that disrupt the donor or acceptor splice site typically lead to a loss of protein function (PMID: 16199547), and loss-of-function variants in CLN6 are known to be pathogenic (PMID: 19135028). This variant is not present in population databases (gnomAD no frequency). This variant has not been reported in the literature in individuals affected with CLN6-related conditions. Algorithms developed to predict the effect of sequence changes on RNA splicing suggest that this variant may disrupt the consensus splice site. In summary, the currently available evidence indicates that the variant is pathogenic, but additional data are needed to prove that conclusively. Therefore, this variant has been classified as Likely Pathogenic.

Literature cited by the submitters: PubMed 16199547; PubMed 19135028.

NM_017882.3(CLN6):c.542+2T>C

Gene: CLN6 (CLN6 transmembrane ER protein; minus strand). Cytogenetic location: 15q23.
Variant type: single nucleotide variant.
Coding change: c.542+2T>C on transcript NM_017882.3 (MANE Select); the canonical splice donor site of the intron after coding-DNA position 542, T replaced by C.
Molecular consequence: splice donor variant.
Genome position (GRCh38, 1-based): chr15:68,211,261, A>G on the plus strand (T>C on the coding strand, the complement: CLN6 is on the minus strand). VCF-style: chr15-68211261-A-G. GRCh37 (hg19) VCF-style: chr15-68503599-A-G.
Other names: c.638+2T>C (NM_001411068.1).
Identifiers: ClinVar variation 1945646 (VCV001945646.5), dbSNP rs2505407519, ClinGen allele CA392973079.